The following is an entry in ClinVar:

ClinVar aggregate classification (germline): Uncertain significance. Review status: criteria provided, multiple submitters, no conflicts (2 of 4 stars). 2 submissions from 2 submitters: Uncertain significance (2). Last evaluated 2024-04-29.

Conditions:
Hereditary pancreatitis (PCTT). Also called: Hereditary chronic pancreatitis; PRSS1-Related Hereditary Pancreatitis. Identifiers: Orphanet 676, MedGen C0238339, MONDO:0008185, OMIM 167800.

Allele frequency attached by ClinVar (database versions not stated): ExAC 0.00004.

Submissions (2):

Labcorp Genetics (formerly Invitae), Labcorp
Classification: Uncertain significance. Last evaluated: 2024-04-29. Review status: criteria provided, single submitter. Criteria: Invitae Variant Classification Sherloc (09022015). Collection method: clinical testing. Allele origin: germline.
Comment: This sequence change replaces threonine, which is neutral and polar, with proline, which is neutral and non-polar, at codon 207 of the CPA1 protein (p.Thr207Pro). The frequency data for this variant in the population databases is considered unreliable, as metrics indicate poor data quality at this position in the gnomAD database. This variant has not been reported in the literature in individuals affected with CPA1-related conditions. ClinVar contains an entry for this variant (Variation ID: 1752140). Advanced modeling of protein sequence and biophysical properties (such as structural, functional, and spatial information, amino acid conservation, physicochemical variation, residue mobility, and thermodynamic stability) performed at Invitae indicates that this missense variant is not expected to disrupt CPA1 protein function with a negative predictive value of 80%. In summary, the available evidence is currently insufficient to determine the role of this variant in disease. Therefore, it has been classified as a Variant of Uncertain Significance.

Ambry Genetics
Classification: Uncertain significance for Hereditary pancreatitis. Last evaluated: 2023-12-04. Review status: criteria provided, single submitter. Criteria: Ambry Variant Classification Scheme 2023. Collection method: clinical testing. Allele origin: germline.
Comment: The p.T207P variant (also known as c.619A>C), located in coding exon 6 of the CPA1 gene, results from an A to C substitution at nucleotide position 619. The threonine at codon 207 is replaced by proline, an amino acid with highly similar properties. This amino acid position is conserved. In addition, the in silico prediction for this alteration is inconclusive. Since supporting evidence is limited at this time, the clinical significance of this alteration remains unclear.

NM_001868.4(CPA1):c.619A>C (p.Thr207Pro)

Gene: CPA1 (carboxypeptidase A1; plus strand). Cytogenetic location: 7q32.2.
Variant type: single nucleotide variant.
Coding change: c.619A>C on transcript NM_001868.4 (MANE Select); coding-DNA position 619, A replaced by C.
Protein change: p.Thr207Pro; replaces threonine 207 with proline.
Molecular consequence: missense variant.
Genome position (GRCh38, 1-based): chr7:130,383,717, A>C. VCF-style: chr7-130383717-A-C. GRCh37 (hg19) VCF-style: chr7-130023558-A-C.
Other names: short protein forms T207P.
Identifiers: ClinVar variation 1752140 (VCV001752140.5), dbSNP rs201291043, ClinGen allele CA4484874.